The following is an entry in ClinVar:

NM_001267550.2(TTN):c.2093del (p.Lys698fs)

Gene: TTN (titin; minus strand). Cytogenetic location: 2q31.2.
Variant type: Deletion.
Coding change: c.2093del on transcript NM_001267550.2 (MANE Select); coding-DNA position 2093, one base deleted (A; older notation c.2093delA).
Protein change: p.Lys698fs; shifts the reading frame from lysine 698.
Molecular consequence: frameshift variant.
Genome position (GRCh38, 1-based): chr2:178,786,125, T deleted on the plus strand (A on the coding strand, the reverse complement: TTN is on the minus strand); the first of 6 consecutive T bases (chr2:178,786,125-178,786,130); deleting any one gives the same sequence. VCF-style (leftmost placement, unchanged base first): chr2-178786124-CT-C. GRCh37 (hg19) VCF-style: chr2-179650851-CT-C.
Other names: c.2093del, p.Lys698fs (NM_001256850.1, NM_133378.4, NM_133379.5); c.1955del, p.Lys652fs (NM_003319.4, NM_133432.3, NM_133437.4); short protein forms K652fs, K698fs.
Identifiers: ClinVar variation 1486188 (VCV001486188.8), dbSNP rs2154351778, ClinGen allele CA2573134014.
Genomic context (GRCh38, chr2:178,786,124, plus strand): 5'-TCTGGGCTCTCTGACTCGGGCCTGGTCTACTGCAGCAACAACTGTTGCTACAGCTTCAGC[CT>C]TTTTTCCAACGTCCACCTGGAGACAAGGTTTCCAGAATTAATACATAGGAATATCGAGAT-3'

ClinVar aggregate classification (germline): Pathogenic (1 of 4 stars; one submission).

Conditions:
Dilated cardiomyopathy 1G (CMD1G). Identifiers: Orphanet 154, MedGen C1858763, MONDO:0011400, OMIM 604145.
Autosomal recessive limb-girdle muscular dystrophy type 2J (LGMDR10). Also called: Limb-girdle muscular dystrophy, type 2J; MUSCULAR DYSTROPHY, LIMB-GIRDLE, AUTOSOMAL RECESSIVE 10. Identifiers: Orphanet 140922, MedGen C1837342, MONDO:0012127, OMIM 608807.

Submission:

Labcorp Genetics (formerly Invitae), Labcorp
Classification: Pathogenic for Dilated cardiomyopathy 1G; Autosomal recessive limb-girdle muscular dystrophy type 2J. Last evaluated: 2024-04-29. Review status: criteria provided, single submitter. Criteria: Invitae Variant Classification Sherloc (09022015). Collection method: clinical testing. Allele origin: germline.
Comment: This sequence change creates a premature translational stop signal (p.Lys698Argfs*5) in the TTN gene. While this is not anticipated to result in nonsense mediated decay, it is expected to create a truncated TTN protein. This variant is not present in population databases (gnomAD no frequency). This premature translational stop signal has been observed in individual(s) with clinical features of autosomal recessive TTN-related neuromuscular conditions (Invitae). In at least one individual the data is consistent with being in trans (on the opposite chromosome) from a pathogenic variant. ClinVar contains an entry for this variant (Variation ID: 1486188). This variant is located in the Z band of TTN (PMID: 25589632). Truncating variants in this region have been reported in individuals affected with autosomal recessive centronuclear myopathy (PMID: 33449170, Invitae internal data). Truncating variants in this region have also been identified in individuals affected with autosomal dominant dilated cardiomyopathy and/or cardio-related conditions (PMID: 27869827, 32964742, Invitae internal data). For these reasons, this variant has been classified as Pathogenic.

Literature cited by the submitters: PubMed 25589632; PubMed 33449170; PubMed 27869827; PubMed 32964742.